The following is an entry in ClinVar:

ClinVar aggregate classification (germline): Pathogenic (1 of 4 stars; one submission).

Conditions:
Familial cancer of breast. Also called: BREAST CANCER, FAMILIAL; Hereditary breast cancer; hereditary breast carcinoma. Identifiers: Orphanet 227535, MedGen C0346153, MONDO:0016419, OMIM 114480. Disease mechanism: loss of function.

Submission:

Labcorp Genetics (formerly Invitae), Labcorp
Classification: Pathogenic for Familial cancer of breast. Last evaluated: 2022-10-31. Review status: criteria provided, single submitter. Criteria: Invitae Variant Classification Sherloc (09022015). Collection method: clinical testing. Allele origin: germline.
Comment: A gross deletion of the genomic region encompassing the full coding sequence of the BARD1 gene has been identified. Loss-of-function variants in BARD1 are known to be pathogenic (PMID: 20077502, 21344236). The boundaries of this event are unknown as they extend beyond the assayed region for this gene and therefore may encompass additional genes. A similar copy number variant has been observed in individual(s) with breast cancer (PMID: 20842729). For these reasons, this variant has been classified as Pathogenic.

Literature cited by the submitters: PubMed 20077502; PubMed 21344236; PubMed 20842729.

NC_000002.12:g.(?_214728676)_(214809569_?)del

Gene: BARD1 (BRCA1 associated RING domain 1; minus strand). Cytogenetic location: 2q35.
Variant type: Deletion.
Identifiers: ClinVar variation 832811 (VCV000832811.3).